The following is an entry in ClinVar:

NM_001844.5(COL2A1):c.293-17T>C

Gene: COL2A1 (collagen type II alpha 1 chain; minus strand). Cytogenetic location: 12q13.11.
Variant type: single nucleotide variant.
Coding change: c.293-17T>C on transcript NM_001844.5 (MANE Select); 17 bases into the intron before coding-DNA position 293, T replaced by C.
Molecular consequence: intron variant.
Genome position (GRCh38, 1-based): chr12:47,998,448, A>G on the plus strand (T>C on the coding strand, the complement: COL2A1 is on the minus strand). VCF-style: chr12-47998448-A-G. GRCh37 (hg19) VCF-style: chr12-48392231-A-G.
Other names: c.86-17T>C (NM_033150.3).
Identifiers: ClinVar variation 510940 (VCV000510940.8), dbSNP rs368198635, ClinGen allele CA6536055.

ClinVar aggregate classification (germline): Likely benign. Review status: criteria provided, multiple submitters, no conflicts (2 of 4 stars). 2 submissions from 2 submitters: Likely benign (2). Last evaluated 2025-12-24.

Allele frequency attached by ClinVar (database versions not stated): ExAC 0.00001; gnomAD 0.00001; gnomAD exomes 0.00001 and 0.00002; TOPMed 0.00001; ESP Exome Variant Server 0.00008.
gnomAD v4.1: 16 of 1,610,116 alleles (0.00099%); highest among the groups gnomAD compares: Middle Eastern, 0.016%; no homozygotes.

Submissions (2):

Labcorp Genetics (formerly Invitae), Labcorp
Classification: Likely benign. Last evaluated: 2025-12-24. Review status: criteria provided, single submitter. Criteria: Invitae Variant Classification Sherloc (09022015). Collection method: clinical testing. Allele origin: germline.

GeneDx
Classification: Likely benign. Last evaluated: 2017-07-24. Review status: criteria provided, single submitter. Criteria: GeneDx Variant Classification (06012015). Collection method: clinical testing. Allele origin: germline. Affected: yes.
Comment: This variant is considered likely benign or benign based on one or more of the following criteria: it is a conservative change, it occurs at a poorly conserved position in the protein, it is predicted to be benign by multiple in silico algorithms, and/or has population frequency not consistent with disease.